The following is an entry in ClinVar:

NM_001042492.3(NF1):c.2079_2080insGTTCCACCGCCCTGTACATG (p.Phe694fs)

Gene: NF1 (neurofibromin 1; plus strand). Cytogenetic location: 17q11.2.
Variant type: Insertion.
Coding change: c.2079_2080insGTTCCACCGCCCTGTACATG on transcript NM_001042492.3 (MANE Select); coding-DNA positions 2079 to 2080, GTTCCACCGCCCTGTACATG inserted.
Protein change: p.Phe694fs; shifts the reading frame from phenylalanine 694.
Molecular consequence: frameshift variant.
Genome position: GRCh38 VCF-style: chr17-31226500-G-GGCCCTGTACATGGTTCCACC. GRCh37 (hg19) VCF-style: chr17-29553518-G-GGCCCTGTACATGGTTCCACC.
Other names: c.2079_2080insGTTCCACCGCCCTGTACATG, p.Phe694fs (NM_000267.4); short protein forms F694fs.
Identifiers: ClinVar variation 4729715 (VCV004729715.1).
Genomic context (GRCh38, chr17:31,226,500, plus strand): 5'-TGCAGCAGGATGCAGCGGAACCCCCCCGATTTGCCGACAAGCCCAGACCAAACTAGAAGT[G>GGCCCTGTACATGGTTCCACC]GCCCTGTACATGTTTCTGTGGAACCCTGACACTGAAGCTGTTCTGGTTGCCATGTCCTGT-3'

ClinVar aggregate classification (germline): Pathogenic (1 of 4 stars; one submission).

Conditions:
Neurofibromatosis, type 1 (NF1). Also called: VON RECKLINGHAUSEN DISEASE; Peripheral type neurofibromatosis; NEUROFIBROMATOSIS, TYPE I, SOMATIC; Neurofibromatosis, type I. Identifiers: Orphanet 636, MedGen C0027831, MONDO:0018975, OMIM 162200. Disease mechanism: loss of function.

Submission:

Labcorp Genetics (formerly Invitae), Labcorp
Classification: Pathogenic for Neurofibromatosis, type 1. Last evaluated: 2025-10-23. Review status: criteria provided, single submitter. Criteria: Invitae Variant Classification Sherloc (09022015). Collection method: clinical testing. Allele origin: germline.
Comment: This sequence change creates a premature translational stop signal (p.Phe694Valfs*61) in the NF1 gene. It is expected to result in an absent or disrupted protein product. Loss-of-function variants in NF1 are known to be pathogenic (PMID: 10712197, 23913538). This variant is not present in population databases (gnomAD no frequency). This variant has not been reported in the literature in individuals affected with NF1-related conditions. For these reasons, this variant has been classified as Pathogenic.

Literature cited by the submitters: PubMed 10712197; PubMed 23913538.